The following is an entry in ClinVar:

ClinVar aggregate classification (germline): Uncertain significance. Review status: criteria provided, single submitter (1 of 4 stars). 2 submissions from 2 submitters: Uncertain significance (1). 1 of the submissions does not count toward it. Last evaluated 2023-11-08.

Conditions:
Long QT syndrome (LQTS). Identifiers: MedGen C0023976, MeSH D008133, MONDO:0002442. Disease mechanism: loss of function. Inheritance: Various modes of inheritance.
CACNA1C-related disorder. Also called: CACNA1C-related disorders; CACNA1C-related condition. Identifiers: MedGen CN381092, MONDO:0700321.

Allele frequency attached by ClinVar (database versions not stated): gnomAD exomes below 0.00001.

Submissions (2):

Labcorp Genetics (formerly Invitae), Labcorp
Classification: Uncertain significance for Long QT syndrome. Last evaluated: 2023-11-08. Review status: criteria provided, single submitter. Criteria: Invitae Variant Classification Sherloc (09022015). Collection method: clinical testing. Allele origin: germline.
Comment: This sequence change replaces isoleucine, which is neutral and non-polar, with asparagine, which is neutral and polar, at codon 1914 of the CACNA1C protein (p.Ile1914Asn). This variant is not present in population databases (gnomAD no frequency). This variant has not been reported in the literature in individuals affected with CACNA1C-related conditions. Advanced modeling of protein sequence and biophysical properties (such as structural, functional, and spatial information, amino acid conservation, physicochemical variation, residue mobility, and thermodynamic stability) performed at Invitae indicates that this missense variant is not expected to disrupt CACNA1C protein function with a negative predictive value of 95%. In summary, the available evidence is currently insufficient to determine the role of this variant in disease. Therefore, it has been classified as a Variant of Uncertain Significance.

PreventionGenetics, part of Exact Sciences
Classification: Uncertain significance for CACNA1C-related condition. Last evaluated: 2024-02-01. Review status: no assertion criteria provided. Collection method: clinical testing. Allele origin: germline. Not counted in ClinVar's aggregate classification.
Comment: The CACNA1C c.5741T>A variant is predicted to result in the amino acid substitution p.Ile1914Asn. To our knowledge, this variant has not been reported in the literature or in a large population database, indicating this variant is rare. At this time, the clinical significance of this variant is uncertain due to the absence of conclusive functional and genetic evidence.

NM_000719.7(CACNA1C):c.5741T>A (p.Ile1914Asn)

Genes: CACNA1C-AS1 (CACNA1C antisense RNA 1; minus strand), CACNA1C (calcium voltage-gated channel subunit alpha1 C; plus strand). Cytogenetic location: 12p13.33.
Variant type: single nucleotide variant.
Coding change: c.5741T>A on transcript NM_000719.7 (MANE Select); coding-DNA position 5741, T replaced by A.
Protein change: p.Ile1914Asn; replaces isoleucine 1914 with asparagine.
Molecular consequence: missense variant.
Genome position (GRCh38, 1-based): chr12:2,686,226, T>A. VCF-style: chr12-2686226-T-A. GRCh37 (hg19) VCF-style: chr12-2795392-T-A.
Other names: c.5885T>A, p.Ile1962Asn (NM_001129827.2); c.5864T>A, p.Ile1955Asn (NM_001129829.2); c.5846T>A, p.Ile1949Asn (NM_001129830.3, NM_001167624.3); c.5825T>A, p.Ile1942Asn (NM_001129831.2); c.5801T>A, p.Ile1934Asn (NM_001129832.2); c.5798T>A, p.Ile1933Asn (NM_001129833.2, NM_001129834.2, NM_001129835.2); c.5792T>A, p.Ile1931Asn (NM_001129836.2); c.5765T>A, p.Ile1922Asn (NM_001129837.2, NM_001129838.2); and 6 more; short protein forms I1920N, I1931N, I1942N, I1962N, I1997N, I1903N, I1911N, I1922N.
Identifiers: ClinVar variation 2906249 (VCV002906249.5), dbSNP rs1603462676, ClinGen allele CA383382681.
Genomic context (GRCh38, chr12:2,686,226, plus strand): 5'-GTCGAAGGGCCTCCTTCCACCTGGAATGTCTGAAGCGACAGAAGGACCGAGGGGGAGACA[T>A]CTCTCAGAAGACAGTCCTGCCCTTGCATCTGGTTCATCATCAGGTAGCTCACACTTTTGG-3'
Protein context (NP_000710.5, residues 1904-1924): LKRQKDRGGD[Ile1914Asn]SQKTVLPLHL